The following is an entry in ClinVar:

ClinVar aggregate classification (germline): Likely benign. Review status: criteria provided, multiple submitters, no conflicts (2 of 4 stars). 3 submissions from 3 submitters: Likely benign (2). 1 of the submissions does not count toward it. Last evaluated 2024-10-30.

Conditions:
GNAS-related disorder. Identifiers: MedGen CN380105.

Allele frequency attached by ClinVar (database versions not stated): gnomAD exomes 0.00007; gnomAD 0.00008; ExAC 0.00010; TOPMed 0.00011.
gnomAD v4.1: 135 of 1,605,742 alleles (0.0084%); highest among the groups gnomAD compares: Admixed American, 0.022%; no homozygotes.

Submissions (3):

Blueprint Genetics
Classification: Likely benign. Last evaluated: 2024-10-30. Review status: criteria provided, single submitter. Criteria: ACMG Guidelines, 2015. Collection method: clinical testing. Allele origin: germline.

CeGaT Center for Human Genetics Tuebingen
Classification: Likely benign. Last evaluated: 2024-07-01. Review status: criteria provided, single submitter. Criteria: CeGaT Center For Human Genetics Tuebingen Variant Classification Criteria Version 2. Collection method: clinical testing. Allele origin: germline. Affected: yes. Observed: 1 variant allele.
Comment: GNAS: BP4, BP7

PreventionGenetics, part of Exact Sciences
Classification: Likely benign for GNAS-related condition. Last evaluated: 2020-10-05. Review status: no assertion criteria provided. Collection method: clinical testing. Allele origin: germline. Not counted in ClinVar's aggregate classification.
Comment: This variant is classified as likely benign based on ACMG/AMP sequence variant interpretation guidelines (Richards et al. 2015 PMID: 25741868, with internal and published modifications).

NM_016592.5(GNAS):c.639G>A (p.Glu213=)

Genes: GNAS (GNAS complex locus; plus strand), GNAS-AS1 (GNAS antisense RNA 1; minus strand). Cytogenetic location: 20q13.32.
Variant type: single nucleotide variant.
Coding change: c.639G>A on transcript NM_016592.5 (MANE Plus Clinical); coding-DNA position 639, G replaced by A.
Protein change: p.Glu213=; no amino-acid change (glutamic acid 213 retained).
Molecular consequence: synonymous variant. On other transcripts: 5 prime UTR variant (1).
Genome position (GRCh38, 1-based): chr20:58,840,745, G>A. VCF-style: chr20-58840745-G-A. GRCh37 (hg19) VCF-style: chr20-57415800-G-A.
Other names: c.-99G>A (NM_001410912.1).
Identifiers: ClinVar variation 3035668 (VCV003035668.18), dbSNP rs745982259, ClinGen allele CA9926375.